The following is an entry in ClinVar:

ClinVar aggregate classification (germline): Likely benign (1 of 4 stars; one submission).

Allele frequency attached by ClinVar (database versions not stated): 1000 Genomes Project 30x 0.00031.

Submission:

CeGaT Center for Human Genetics Tuebingen
Classification: Likely benign. Last evaluated: 2023-01-01. Review status: criteria provided, single submitter. Criteria: CeGaT Center For Human Genetics Tuebingen Variant Classification Criteria Version 2. Collection method: clinical testing. Allele origin: germline. Affected: yes. Observed: 1 variant allele.
Comment: CPSF1: BP4, BP7

NM_013291.3(CPSF1):c.711G>C (p.Thr237=)

Gene: CPSF1 (cleavage and polyadenylation specific factor 1; minus strand). Cytogenetic location: 8q24.3.
Variant type: single nucleotide variant.
Coding change: c.711G>C on transcript NM_013291.3 (MANE Select); coding-DNA position 711, G replaced by C.
Protein change: p.Thr237=; no amino-acid change (threonine 237 retained).
Molecular consequence: synonymous variant.
Genome position (GRCh38, 1-based): chr8:144,400,469, C>G on the plus strand (G>C on the coding strand, the complement: CPSF1 is on the minus strand). VCF-style: chr8-144400469-C-G. GRCh37 (hg19) VCF-style: chr8-145625863-C-G.
Identifiers: ClinVar variation 2658984 (VCV002658984.22), dbSNP rs202180205, ClinGen allele CA4940746.